The following is an entry in ClinVar:

NM_018906.3(PCDHA3):c.648T>A (p.Asp216Glu)

Genes: PCDHA1 (protocadherin alpha 1; plus strand), PCDHA2 (protocadherin alpha 2; plus strand), PCDHA3 (protocadherin alpha 3; plus strand), PCDHA@ (protocadherin alpha cluster, complex locus; plus strand). Cytogenetic location: 5q31.3.
Variant type: single nucleotide variant.
Coding change: c.648T>A on transcript NM_018906.3 (MANE Select); coding-DNA position 648, T replaced by A.
Protein change: p.Asp216Glu; replaces aspartic acid 216 with glutamic acid.
Molecular consequence: missense variant. On other transcripts: intron variant (4).
Genome position (GRCh38, 1-based): chr5:140,801,845, T>A. VCF-style: chr5-140801845-T-A. GRCh37 (hg19) VCF-style: chr5-140181430-T-A.
Other names: c.648T>A, p.Asp216Glu (NM_031497.2); c.2394+13161T>A (NM_018900.4); c.1602+13953T>A (NM_031411.3); c.2388+4493T>A (NM_018905.3); c.2389-3215T>A (NM_031496.2); short protein forms D216E.
Identifiers: ClinVar variation 3209401 (VCV003209401.2), dbSNP rs781833245, ClinGen allele CA3446323.

ClinVar aggregate classification (germline): Uncertain significance (1 of 4 stars; one submission).

Allele frequency attached by ClinVar (database versions not stated): TOPMed 0.00002; gnomAD 0.00003; ExAC 0.00004; gnomAD exomes 0.00002.
gnomAD v4.1: 15 of 1,613,946 alleles (0.00093%); highest among the groups gnomAD compares: Admixed American, 0.025%; no homozygotes.

Submission:

Ambry Genetics
Classification: Uncertain significance. Last evaluated: 2026-09-02. Review status: criteria provided, single submitter. Criteria: Ambry Variant Classification Scheme 2023. Collection method: clinical testing. Allele origin: germline.
Comment: The c.648T>A (p.D216E) alteration is located in exon 1 (coding exon 1) of the PCDHA3 gene. This alteration results from a T to A substitution at nucleotide position 648, causing the aspartic acid (D) at amino acid position 216 to be replaced by a glutamic acid (E). Based on data from gnomAD, the A allele has an overall frequency of 0.005% (14/282764) total alleles studied. The highest observed frequency was 0.037% (13/35430) of Latino alleles. Based on insufficient or conflicting evidence, the clinical significance of this alteration remains unclear.